The following is an entry in ClinVar:

NM_004360.5(CDH1):c.387+9G>A

Gene: CDH1 (cadherin 1; plus strand). Cytogenetic location: 16q22.1.
Variant type: single nucleotide variant.
Coding change: c.387+9G>A on transcript NM_004360.5 (MANE Select); 9 bases into the intron after coding-DNA position 387, G replaced by A.
Molecular consequence: intron variant.
Genome position (GRCh38, 1-based): chr16:68,801,902, G>A. VCF-style: chr16-68801902-G-A. GRCh37 (hg19) VCF-style: chr16-68835805-G-A.
Other names: c.-1229+9G>A (NM_001317185.2); c.-1433+9G>A (NM_001317186.2); c.387+9G>A (NM_001317184.2).
Identifiers: ClinVar variation 800150 (VCV000800150.12), dbSNP rs1296702309, ClinGen allele CA915949296.

ClinVar aggregate classification (germline): Likely benign. Review status: criteria provided, multiple submitters, no conflicts (2 of 4 stars). 2 submissions from 2 submitters: Likely benign (2). Last evaluated 2025-07-16.

Conditions:
Hereditary diffuse gastric adenocarcinoma (HDGC). Also called: DIFFUSE GASTRIC AND LOBULAR BREAST CANCER SYNDROME. Identifiers: Orphanet 26106, MedGen C1708349, MONDO:0007648, OMIM 137215.

gnomAD v4.1: 2 of 1,608,664 alleles (0.00012%); highest among the groups gnomAD compares: Non-Finnish European, 0.00017%; no homozygotes.

Submissions (2):

Labcorp Genetics (formerly Invitae), Labcorp
Classification: Likely benign for Hereditary diffuse gastric adenocarcinoma. Last evaluated: 2025-07-16. Review status: criteria provided, single submitter. Criteria: Invitae Variant Classification Sherloc (09022015). Collection method: clinical testing. Allele origin: germline.

Myriad Genetics, Inc.
Classification: Likely benign for Hereditary diffuse gastric adenocarcinoma. Last evaluated: 2024-09-12. Review status: criteria provided, single submitter. Criteria: Myriad Autosomal Dominant, Autosomal Recessive and X-Linked Classification Criteria (2023). Collection method: clinical testing. Allele origin: unknown.
Comment: This variant is considered likely benign. This variant is intronic and is not expected to impact mRNA splicing.